The following is an entry in ClinVar:

ClinVar aggregate classification (germline): Uncertain significance (1 of 4 stars; one submission).

Conditions:
Familial cancer of breast. Also called: hereditary breast carcinoma; Hereditary breast cancer; BREAST CANCER, FAMILIAL. Identifiers: Orphanet 227535, MedGen C0346153, MONDO:0016419, OMIM 114480. Disease mechanism: loss of function.

Submission:

Labcorp Genetics (formerly Invitae), Labcorp
Classification: Uncertain significance for Familial cancer of breast. Last evaluated: 2023-08-01. Review status: criteria provided, single submitter. Criteria: Invitae Variant Classification Sherloc (09022015). Collection method: clinical testing. Allele origin: germline.
Comment: In summary, the available evidence is currently insufficient to determine the role of this variant in disease. Therefore, it has been classified as a Variant of Uncertain Significance. An algorithm developed to predict the effect of missense changes on protein structure and function (PolyPhen-2) suggests that this variant is likely to be tolerated. This variant has not been reported in the literature in individuals affected with CHEK2-related conditions. This variant is not present in population databases (gnomAD no frequency). This sequence change replaces serine, which is neutral and polar, with tyrosine, which is neutral and polar, at codon 39 of the CHEK2 protein (p.Ser39Tyr).

NM_007194.4(CHEK2):c.116C>A (p.Ser39Tyr)

Gene: CHEK2 (checkpoint kinase 2; minus strand). Cytogenetic location: 22q12.1.
Variant type: single nucleotide variant.
Coding change: c.116C>A on transcript NM_007194.4 (MANE Select); coding-DNA position 116, C replaced by A.
Protein change: p.Ser39Tyr; replaces serine 39 with tyrosine.
Molecular consequence: missense variant.
Genome position (GRCh38, 1-based): chr22:28,734,606, G>T on the plus strand (C>A on the coding strand, the complement: CHEK2 is on the minus strand). VCF-style: chr22-28734606-G-T. GRCh37 (hg19) VCF-style: chr22-29130594-G-T.
Other names: c.116C>A, p.Ser39Tyr (NM_001005735.3, NM_001349956.3, NM_145862.3); c.-662C>A (NM_001257387.3); short protein forms S39Y.
Identifiers: ClinVar variation 2748931 (VCV002748931.3), dbSNP rs2146151408, ClinGen allele CA411091362.
Genomic context (GRCh38, chr22:28,734,606, plus strand): 5'-GTCCCAGAGCTGGAGTGAGAGGACTGGCTGGAGTTTGGCATCGTGCTGGTAGAGGAGCTG[G>T]ATATGCCCTGGGACTGTGAGGAGGAGCCTTGGGACTGGGTAACGCTGCCATGGGGCTGTG-3'
Protein context (NP_009125.1, residues 29-49): QGSSSQSQGI[Ser39Tyr]SSSTSTMPNS